The following is an entry in ClinVar:

ClinVar aggregate classification (germline): Uncertain significance (1 of 4 stars; one submission).

Conditions:
Inborn genetic diseases. Identifiers: MedGen C0950123, MeSH D030342.

gnomAD v4.1: 1 of 1,614,096 alleles (0.000062%); highest among the groups gnomAD compares: Non-Finnish European, 0.000085%; no homozygotes.

Submission:

Ambry Genetics
Classification: Uncertain significance for Inborn genetic diseases. Last evaluated: 2024-08-21. Review status: criteria provided, single submitter. Criteria: Ambry Variant Classification Scheme 2023. Collection method: clinical testing. Allele origin: germline.
Comment: The p.L1335V variant (also known as c.4003T>G), located in coding exon 22 of the ATR gene, results from a T to G substitution at nucleotide position 4003. The leucine at codon 1335 is replaced by valine, an amino acid with highly similar properties. This amino acid position is conserved. In addition, the in silico prediction for this alteration is inconclusive. Based on the available evidence, the clinical significance of this variant remains unclear.

NM_001184.4(ATR):c.4003T>G (p.Leu1335Val)

Gene: ATR (ATR serine/threonine kinase; minus strand). Cytogenetic location: 3q23.
Variant type: single nucleotide variant.
Coding change: c.4003T>G on transcript NM_001184.4 (MANE Select); coding-DNA position 4003, T replaced by G.
Protein change: p.Leu1335Val; replaces leucine 1335 with valine.
Molecular consequence: missense variant.
Genome position (GRCh38, 1-based): chr3:142,524,142, A>C on the plus strand (T>G on the coding strand, the complement: ATR is on the minus strand). VCF-style: chr3-142524142-A-C. GRCh37 (hg19) VCF-style: chr3-142242984-A-C.
Other names: c.3811T>G, p.Leu1271Val (NM_001354579.2); short protein forms L1335V, L1271V.
Identifiers: ClinVar variation 3462252 (VCV003462252.1).